The following is an entry in ClinVar:

NM_032444.4(SLX4):c.5101_5103del (p.Glu1701del)

Gene: SLX4 (SLX4 structure-specific endonuclease subunit; minus strand). Cytogenetic location: 16p13.3.
Variant type: Deletion.
Coding change: c.5101_5103del on transcript NM_032444.4 (MANE Select); coding-DNA positions 5101 to 5103, 3 bases deleted (GAA; older notation c.5101_5103delGAA).
Protein change: p.Glu1701del; deletes glutamic acid 1701.
Molecular consequence: inframe deletion.
Genome position (GRCh38, 1-based): chr16:3,583,147-3,583,149, TTC deleted on the plus strand (GAA on the coding strand, the reverse complement: SLX4 is on the minus strand); deleting any 3 consecutive bases within chr16:3,583,147-3,583,151 gives the same sequence; the c. name uses the placement nearest the transcript's 3' end. VCF-style (leftmost placement, unchanged base first): chr16-3583146-ATTC-A. GRCh37 (hg19) VCF-style: chr16-3633147-ATTC-A.
Other names: short protein forms E1701del.
Identifiers: ClinVar variation 2777281 (VCV002777281.3), dbSNP rs2548207052, ClinGen allele CA2739269964.

ClinVar aggregate classification (germline): Uncertain significance (1 of 4 stars; one submission).

Conditions:
Fanconi anemia (FA). Also called: Fanconi's anemia. Identifiers: Orphanet 84, MedGen C0015625, MeSH D005199, MONDO:0019391.

Submission:

Labcorp Genetics (formerly Invitae), Labcorp
Classification: Uncertain significance for Fanconi anemia. Last evaluated: 2022-11-12. Review status: criteria provided, single submitter. Criteria: Invitae Variant Classification Sherloc (09022015). Collection method: clinical testing. Allele origin: germline.
Comment: In summary, the available evidence is currently insufficient to determine the role of this variant in disease. Therefore, it has been classified as a Variant of Uncertain Significance. Experimental studies and prediction algorithms are not available or were not evaluated, and the functional significance of this variant is currently unknown. This variant has not been reported in the literature in individuals affected with SLX4-related conditions. This variant is not present in population databases (gnomAD no frequency). This variant, c.5101_5103del, results in the deletion of 1 amino acid(s) of the SLX4 protein (p.Glu1701del), but otherwise preserves the integrity of the reading frame.